The following is an entry in ClinVar:

NM_001064.4(TKT):c.449A>T (p.Tyr150Phe)

Gene: TKT (transketolase; minus strand). Cytogenetic location: 3p21.1.
Variant type: single nucleotide variant.
Coding change: c.449A>T on transcript NM_001064.4 (MANE Select); coding-DNA position 449, A replaced by T.
Protein change: p.Tyr150Phe; replaces tyrosine 150 with phenylalanine.
Molecular consequence: missense variant.
Genome position (GRCh38, 1-based): chr3:53,235,163, T>A on the plus strand (A>T on the coding strand, the complement: TKT is on the minus strand). VCF-style: chr3-53235163-T-A. GRCh37 (hg19) VCF-style: chr3-53269179-T-A.
Other names: c.449A>T, p.Tyr150Phe (NM_001135055.3); c.473A>T, p.Tyr158Phe (NM_001258028.2); short protein forms Y150F, Y158F.
Identifiers: ClinVar variation 4887409 (VCV004887409.1).

ClinVar aggregate classification (germline): Uncertain significance (1 of 4 stars; one submission).

gnomAD v4.1: 1 of 1,611,428 alleles (0.000062%); no homozygotes.

Submission:

Women's Health and Genetics/Laboratory Corporation of America, LabCorp
Classification: Uncertain significance. Last evaluated: 2026-06-09. Review status: criteria provided, single submitter. Criteria: LabCorp Variant Classification Summary - May 2015. Collection method: clinical testing. Allele origin: germline.
Comment: Variant summary: TKT c.449A>T (p.Tyr150Phe) results in a conservative amino acid change in the encoded protein sequence. Algorithms developed to predict the effect of missense changes on protein structure and function are either unavailable or do not agree on the potential impact of this missense change. The variant was absent in 248986 control chromosomes. The available data on variant occurrences in the general population are insufficient to allow any conclusion about variant significance. To our knowledge, no occurrence of c.449A>T in individuals affected with TKT-related conditions and no experimental evidence demonstrating its impact on protein function have been reported. No submitters have cited clinical-significance assessments for this variant to ClinVar. Based on the evidence outlined above, the variant was classified as uncertain significance.